The following is an entry in ClinVar:

NM_144997.7(FLCN):c.314A>C (p.Lys105Thr)

Gene: FLCN (folliculin; minus strand). Cytogenetic location: 17p11.2.
Variant type: single nucleotide variant.
Coding change: c.314A>C on transcript NM_144997.7 (MANE Select); coding-DNA position 314, A replaced by C.
Protein change: p.Lys105Thr; replaces lysine 105 with threonine.
Molecular consequence: missense variant.
Genome position (GRCh38, 1-based): chr17:17,226,258, T>G on the plus strand (A>C on the coding strand, the complement: FLCN is on the minus strand). VCF-style: chr17-17226258-T-G. GRCh37 (hg19) VCF-style: chr17-17129572-T-G.
Other names: c.314A>C, p.Lys105Thr (NM_001353229.2, NM_001353230.2, NM_001353231.2 and 1 more transcripts); short protein forms K105T.
Identifiers: ClinVar variation 2586500 (VCV002586500.2), dbSNP rs2544281976, ClinGen allele CA398534864.

ClinVar aggregate classification (germline): Uncertain significance (1 of 4 stars; one submission).

Conditions:
Hereditary cancer-predisposing syndrome. Also called: Hereditary neoplastic syndrome; Tumor predisposition; Hereditary Cancer Syndrome; Neoplastic Syndromes, Hereditary. Identifiers: Orphanet 140162, MedGen C0027672, MeSH D009386, MONDO:0015356.

Allele frequency attached by ClinVar (database versions not stated): gnomAD exomes below 0.00001.

Submission:

Ambry Genetics
Classification: Uncertain significance for Hereditary cancer-predisposing syndrome. Last evaluated: 2023-07-29. Review status: criteria provided, single submitter. Criteria: Ambry Variant Classification Scheme 2023. Collection method: clinical testing. Allele origin: germline.
Comment: The p.K105T variant (also known as c.314A>C), located in coding exon 2 of the FLCN gene, results from an A to C substitution at nucleotide position 314. The lysine at codon 105 is replaced by threonine, an amino acid with similar properties. This amino acid position is conserved. In addition, the in silico prediction for this alteration is inconclusive. Since supporting evidence is limited at this time, the clinical significance of this alteration remains unclear.